The following is an entry in ClinVar:

NM_152730.6(TBC1D32):c.283C>T (p.Gln95Ter)

Gene: TBC1D32 (TBC1 domain family member 32; minus strand). Cytogenetic location: 6q22.31.
Variant type: single nucleotide variant.
Coding change: c.283C>T on transcript NM_152730.6 (MANE Select); coding-DNA position 283, C replaced by T.
Protein change: p.Gln95Ter; replaces glutamine 95 with a stop codon.
Molecular consequence: nonsense. On other transcripts: non-coding transcript variant (1).
Genome position (GRCh38, 1-based): chr6:121,321,667, G>A on the plus strand (C>T on the coding strand, the complement: TBC1D32 is on the minus strand). VCF-style: chr6-121321667-G-A. GRCh37 (hg19) VCF-style: chr6-121642813-G-A.
Other names: c.283C>T, p.Gln95Ter (NM_001367759.1, NM_001367760.1); short protein forms Q95*.
Identifiers: ClinVar variation 1377473 (VCV001377473.6), dbSNP rs2128502824, ClinGen allele CA365480689.

ClinVar aggregate classification (germline): Pathogenic (1 of 4 stars; one submission).

Submission:

Labcorp Genetics (formerly Invitae), Labcorp
Classification: Pathogenic. Last evaluated: 2024-04-25. Review status: criteria provided, single submitter. Criteria: Invitae Variant Classification Sherloc (09022015). Collection method: clinical testing. Allele origin: germline.
Comment: This sequence change creates a premature translational stop signal (p.Gln95*) in the TBC1D32 gene. It is expected to result in an absent or disrupted protein product. Loss-of-function variants in TBC1D32 are known to be pathogenic (PMID: 37768732). This variant is not present in population databases (gnomAD no frequency). This variant has not been reported in the literature in individuals affected with TBC1D32-related conditions. ClinVar contains an entry for this variant (Variation ID: 1377473). For these reasons, this variant has been classified as Pathogenic.

Literature cited by the submitters: PubMed 37768732.